The following is an entry in ClinVar:

NM_022489.4(INF2):c.971T>C (p.Leu324Pro)

Gene: INF2 (inverted formin 2; plus strand). Cytogenetic location: 14q32.33.
Variant type: single nucleotide variant.
Coding change: c.971T>C on transcript NM_022489.4 (MANE Select); coding-DNA position 971, T replaced by C.
Protein change: p.Leu324Pro; replaces leucine 324 with proline.
Molecular consequence: missense variant. On other transcripts: non-coding transcript variant (1).
Genome position (GRCh38, 1-based): chr14:104,707,037, T>C. VCF-style: chr14-104707037-T-C. GRCh37 (hg19) VCF-style: chr14-105173374-T-C.
Other names: c.971T>C, p.Leu324Pro (NM_001031714.4, NM_001426862.1, NM_001426863.1 and 2 more transcripts); short protein forms L324P.
Identifiers: ClinVar variation 3389584 (VCV003389584.14).

ClinVar aggregate classification (germline): Uncertain significance (1 of 4 stars; one submission).

Submission:

CeGaT Center for Human Genetics Tuebingen
Classification: Uncertain significance. Last evaluated: 2024-09-01. Review status: criteria provided, single submitter. Criteria: CeGaT Center For Human Genetics Tuebingen Variant Classification Criteria Version 2. Collection method: clinical testing. Allele origin: germline. Affected: yes. Observed: 1 variant allele.
Comment: INF2: PM2, PP3